The following is an entry in ClinVar:

ClinVar aggregate classification (germline): Uncertain significance (1 of 4 stars; one submission).

gnomAD v4.1: 1 of 1,605,804 alleles (0.000062%); no homozygotes.

Submission:

Labcorp Genetics (formerly Invitae), Labcorp
Classification: Uncertain significance. Last evaluated: 2022-08-11. Review status: criteria provided, single submitter. Criteria: Invitae Variant Classification Sherloc (09022015). Collection method: clinical testing. Allele origin: germline.
Comment: This variant is present in population databases (no rsID available, gnomAD no frequency). In summary, the available evidence is currently insufficient to determine the role of this variant in disease. Therefore, it has been classified as a Variant of Uncertain Significance. Algorithms developed to predict the effect of missense changes on protein structure and function (SIFT, PolyPhen-2, Align-GVGD) all suggest that this variant is likely to be disruptive. This variant has not been reported in the literature in individuals affected with MPDZ-related conditions. This sequence change replaces asparagine, which is neutral and polar, with tyrosine, which is neutral and polar, at codon 435 of the MPDZ protein (p.Asn435Tyr).

NM_001378778.1(MPDZ):c.1303A>T (p.Asn435Tyr)

Gene: MPDZ (multiple PDZ domain crumbs cell polarity complex component; minus strand). Cytogenetic location: 9p23.
Variant type: single nucleotide variant.
Coding change: c.1303A>T on transcript NM_001378778.1 (MANE Select); coding-DNA position 1303, A replaced by T.
Protein change: p.Asn435Tyr; replaces asparagine 435 with tyrosine.
Molecular consequence: missense variant.
Genome position (GRCh38, 1-based): chr9:13,206,087, T>A on the plus strand (A>T on the coding strand, the complement: MPDZ is on the minus strand). VCF-style: chr9-13206087-T-A. GRCh37 (hg19) VCF-style: chr9-13206086-T-A.
Other names: c.1303A>T, p.Asn435Tyr (NM_001261406.2, NM_001261407.2, NM_001330637.2 and 14 more transcripts); short protein forms N435Y.
Identifiers: ClinVar variation 1715092 (VCV001715092.5), dbSNP rs1347671957, ClinGen allele CA372943417.
Genomic context (GRCh38, chr9:13,206,087, plus strand): 5'-CAGTTTGTCCTGTATGTCGCAATACCTCTACTGCTTGCTGATTAGTAAAACCCTGAAGGT[T>A]TGTGCCATCTACCTGTGATTAAAAAAAAAAAAAAGCATGTTACATGTTAAATAAATGGAT-3'
Protein context (NP_001365707.1, residues 425-445): GDQIIAVDGT[Asn435Tyr]LQGFTNQQAV